The following is an entry in ClinVar:

NM_003764.4(STX11):c.11G>T (p.Arg4Leu)

Gene: STX11 (syntaxin 11; plus strand). Cytogenetic location: 6q24.2.
Variant type: single nucleotide variant.
Coding change: c.11G>T on transcript NM_003764.4 (MANE Select); coding-DNA position 11, G replaced by T.
Protein change: p.Arg4Leu; replaces arginine 4 with leucine.
Molecular consequence: missense variant.
Genome position (GRCh38, 1-based): chr6:144,186,638, G>T. VCF-style: chr6-144186638-G-T. GRCh37 (hg19) VCF-style: chr6-144507775-G-T.
Other names: c.11G>T (NM_003764.3); short protein forms R4L.
Identifiers: ClinVar variation 1014652 (VCV001014652.8), dbSNP rs375610231, ClinGen allele CA4031593.

ClinVar aggregate classification (germline): Uncertain significance. Review status: criteria provided, multiple submitters, no conflicts (2 of 4 stars). 4 submissions from 4 submitters: Uncertain significance (4). Last evaluated 2026-10-26.

Conditions:
Inborn genetic diseases. Identifiers: MedGen C0950123, MeSH D030342.
Familial hemophagocytic lymphohistiocytosis 4 (FHL4). Also called: STX11-Related Familial Hemophagocytic Lymphohistiocytosis (STX11-fHLH). Identifiers: Orphanet 540, MedGen C1863728, MONDO:0011336, OMIM 603552.

Allele frequency attached by ClinVar (database versions not stated): ESP Exome Variant Server 0.00015; TOPMed 0.00017.
gnomAD v4.1: 272 of 1,613,970 alleles (0.017%); highest among the groups gnomAD compares: Non-Finnish European, 0.022%; no homozygotes.

Submissions (4):

GeneDx
Classification: Uncertain significance. Last evaluated: 2026-10-26. Review status: criteria provided, single submitter. Criteria: GeneDx Variant Classification Process June 2021. Collection method: clinical testing. Allele origin: germline.
Comment: Has not been previously published as pathogenic or benign to our knowledge; In silico analysis supports that this missense variant has a deleterious effect on protein structure/function

Blueprint Genetics
Classification: Uncertain significance. Last evaluated: 2024-09-20. Review status: criteria provided, single submitter. Criteria: ACMG Guidelines, 2015. Collection method: clinical testing. Allele origin: germline.

Ambry Genetics
Classification: Uncertain significance for Inborn genetic diseases. Last evaluated: 2024-08-20. Review status: criteria provided, single submitter. Criteria: Ambry Variant Classification Scheme 2023. Collection method: clinical testing. Allele origin: germline.

Labcorp Genetics (formerly Invitae), Labcorp
Classification: Uncertain significance for Familial hemophagocytic lymphohistiocytosis 4. Last evaluated: 2022-09-12. Review status: criteria provided, single submitter. Criteria: Invitae Variant Classification Sherloc (09022015). Collection method: clinical testing. Allele origin: germline.
Comment: This sequence change replaces arginine, which is basic and polar, with leucine, which is neutral and non-polar, at codon 4 of the STX11 protein (p.Arg4Leu). This variant is present in population databases (rs375610231, gnomAD 0.04%). This variant has not been reported in the literature in individuals affected with STX11-related conditions. ClinVar contains an entry for this variant (Variation ID: 1014652). Algorithms developed to predict the effect of missense changes on protein structure and function are either unavailable or do not agree on the potential impact of this missense change (SIFT: "Deleterious"; PolyPhen-2: "Probably Damaging"; Align-GVGD: "Class C0"). In summary, the available evidence is currently insufficient to determine the role of this variant in disease. Therefore, it has been classified as a Variant of Uncertain Significance.